The following is an entry in ClinVar:

NM_002661.5(PLCG2):c.2152A>G (p.Ser718Gly)

Gene: PLCG2 (phospholipase C gamma 2; plus strand). Cytogenetic location: 16q23.3.
Variant type: single nucleotide variant.
Coding change: c.2152A>G on transcript NM_002661.5 (MANE Select); coding-DNA position 2152, A replaced by G.
Protein change: p.Ser718Gly; replaces serine 718 with glycine.
Molecular consequence: missense variant.
Genome position (GRCh38, 1-based): chr16:81,919,581, A>G. VCF-style: chr16-81919581-A-G. GRCh37 (hg19) VCF-style: chr16-81953186-A-G.
Other names: short protein forms S718G.
Identifiers: ClinVar variation 540095 (VCV000540095.14), dbSNP rs767628464, ClinGen allele CA8194101.

ClinVar aggregate classification (germline): Uncertain significance. Review status: criteria provided, multiple submitters, no conflicts (2 of 4 stars). 3 submissions from 3 submitters: Uncertain significance (3). Last evaluated 2025-11-24.

Conditions:
PLCG2-related disorder. Also called: PLCG2-related condition.
Familial cold autoinflammatory syndrome 3 (FCAS3). Also called: ANTIBODY DEFICIENCY AND IMMUNE DYSREGULATION, PLCG2-ASSOCIATED; FAMILIAL ATYPICAL COLD URTICARIA. Identifiers: Orphanet 300359, MedGen C3280914, MONDO:0013766, OMIM 614468.

Allele frequency attached by ClinVar (database versions not stated): gnomAD exomes below 0.00001 and 0.00001; ExAC 0.00001; gnomAD 0.00001.
gnomAD v4.1: 7 of 1,613,972 alleles (0.00043%); highest among the groups gnomAD compares: Non-Finnish European, 0.00059%; no homozygotes.

Submissions (3):

PreventionGenetics, part of Exact Sciences
Classification: Uncertain significance for PLCG2-related condition. Last evaluated: 2025-11-24. Review status: criteria provided, single submitter. Criteria: ACMG Guidelines, 2015. Collection method: clinical testing. Allele origin: germline.
Comment: The PLCG2 c.2152A>G variant is predicted to result in the amino acid substitution p.Ser718Gly. To our knowledge, this variant has not been reported in the literature. This variant is reported in 0.0016% of alleles in individuals of European (Non-Finnish) descent in gnomAD. At this time, the clinical significance of this variant is uncertain due to the absence of conclusive functional and genetic evidence.

Labcorp Genetics (formerly Invitae), Labcorp
Classification: Uncertain significance for Familial cold autoinflammatory syndrome 3. Last evaluated: 2025-02-19. Review status: criteria provided, single submitter. Criteria: Invitae Variant Classification Sherloc (09022015). Collection method: clinical testing. Allele origin: germline.
Comment: This sequence change replaces serine, which is neutral and polar, with glycine, which is neutral and non-polar, at codon 718 of the PLCG2 protein (p.Ser718Gly). This variant is present in population databases (rs767628464, gnomAD 0.002%). This variant has not been reported in the literature in individuals affected with PLCG2-related conditions. ClinVar contains an entry for this variant (Variation ID: 540095). An algorithm developed to predict the effect of missense changes on protein structure and function (PolyPhen-2) suggests that this variant is likely to be tolerated. In summary, the available evidence is currently insufficient to determine the role of this variant in disease. Therefore, it has been classified as a Variant of Uncertain Significance.

Blueprint Genetics
Classification: Uncertain significance. Last evaluated: 2024-03-25. Review status: criteria provided, single submitter. Criteria: ACMG Guidelines, 2015. Collection method: clinical testing. Allele origin: germline.